The following is an entry in ClinVar:

NM_000722.4(CACNA2D1):c.2397T>A (p.Val799=)

Gene: CACNA2D1 (calcium voltage-gated channel auxiliary subunit alpha2delta 1; minus strand). Cytogenetic location: 7q21.11.
Variant type: single nucleotide variant.
Coding change: c.2397T>A on transcript NM_000722.4 (MANE Select); coding-DNA position 2397, T replaced by A.
Protein change: p.Val799=; no amino-acid change (valine 799 retained).
Molecular consequence: synonymous variant.
Genome position (GRCh38, 1-based): chr7:81,967,662, A>T on the plus strand (T>A on the coding strand, the complement: CACNA2D1 is on the minus strand). VCF-style: chr7-81967662-A-T. GRCh37 (hg19) VCF-style: chr7-81596978-A-T.
Other names: c.2397T>A (LRG_437t1); c.2433T>A, p.Val811= (NM_001366867.1).
Identifiers: ClinVar variation 373662 (VCV000373662.21), dbSNP rs191213592, ClinGen allele CA4317627.

ClinVar aggregate classification (germline): Conflicting classifications of pathogenicity. Review status: criteria provided, conflicting classifications (1 of 4 stars). 4 submissions from 4 submitters: Uncertain significance (1); Likely benign (2). 1 of the submissions does not count toward it. Last evaluated 2026-10-08.

Conditions:
Cardiovascular phenotype. Identifiers: MedGen CN230736.
Brugada syndrome. Also called: Sudden unexpected nocturnal death syndrome; Sudden Unexplained Death Syndrome; Sudden Unexplained Nocturnal Death Syndrome (SUNDS); Sudden unexplained nocturnal death syndrome. Identifiers: Orphanet 130, MedGen C1142166, MONDO:0015263.
CACNA2D1-related disorder. Also called: CACNA2D1-related condition.

Allele frequency attached by ClinVar (database versions not stated): TOPMed 0.00053; 1000 Genomes Project 30x 0.00062; gnomAD exomes 0.00012 and 0.00003; ExAC 0.00021; gnomAD 0.00044 and 0.00047; ESP Exome Variant Server 0.00048; 1000 Genomes Project 0.00060.
gnomAD v4.1: 104 of 1,394,012 alleles (0.0075%); highest among the groups gnomAD compares: African/African-American, 0.14%; no homozygotes.

Submissions (4):

GeneDx
Classification: Uncertain significance. Last evaluated: 2026-10-08. Review status: criteria provided, single submitter. Criteria: GeneDx Variant Classification Process June 2021. Collection method: clinical testing. Allele origin: germline.
Comment: Has not been previously published as pathogenic or benign to our knowledge; In silico analysis supports a deleterious effect on splicing; Variants in candidate genes are classified as variants of uncertain significance in accordance with ACMG guidelines (PMID: 25741868)

Labcorp Genetics (formerly Invitae), Labcorp
Classification: Likely benign for Brugada syndrome. Last evaluated: 2026-01-06. Review status: criteria provided, single submitter. Criteria: Invitae Variant Classification Sherloc (09022015). Collection method: clinical testing. Allele origin: germline.

Ambry Genetics
Classification: Likely benign for Cardiovascular phenotype. Last evaluated: 2018-10-08. Review status: criteria provided, single submitter. Criteria: Ambry Variant Classification Scheme 2023. Collection method: clinical testing. Allele origin: germline.

PreventionGenetics, part of Exact Sciences
Classification: Likely benign for CACNA2D1-related condition. Last evaluated: 2023-12-27. Review status: no assertion criteria provided. Collection method: clinical testing. Allele origin: germline. Not counted in ClinVar's aggregate classification.
Comment: This variant is classified as likely benign based on ACMG/AMP sequence variant interpretation guidelines (Richards et al. 2015 PMID: 25741868, with internal and published modifications).